The following is an entry in ClinVar:

ClinVar aggregate classification (germline): Likely benign (1 of 4 stars; one submission).

Conditions:
Hypertrophic cardiomyopathy. Also called: HYPERTROPHIC MYOCARDIOPATHY. Identifiers: Orphanet 217569, MedGen C0007194, MeSH D002312, MONDO:0005045, HP:0001639.

Allele frequency attached by ClinVar (database versions not stated): gnomAD exomes below 0.00001.
gnomAD v4.1: 1 of 1,606,708 alleles (0.000062%); highest among the groups gnomAD compares: Non-Finnish European, 0.000085%; no homozygotes.

Submission:

All of Us Research Program, National Institutes of Health
Classification: Likely benign for Hypertrophic cardiomyopathy. Last evaluated: 2023-08-15. Review status: criteria provided, single submitter. Criteria: ACMG Guidelines, 2015. Collection method: clinical testing. Allele origin: germline. Inheritance: Autosomal dominant inheritance. Observed: 1 variant allele, 1 heterozygote.
Comment: This study involves interpretation of variants in research participants for the purpose of population health screening. Participant phenotype was not available at the time of variant classification. Additional details can be found in publication PMID: 35346344, PMCID: PMC8962531

NM_000256.3(MYBPC3):c.3331-4C>T

Gene: MYBPC3 (myosin binding protein C3; minus strand). Cytogenetic location: 11p11.2.
Variant type: single nucleotide variant.
Coding change: c.3331-4C>T on transcript NM_000256.3 (MANE Select); 4 bases into the intron before coding-DNA position 3331, C replaced by T.
Molecular consequence: intron variant.
Genome position (GRCh38, 1-based): chr11:47,332,977, G>A on the plus strand (C>T on the coding strand, the complement: MYBPC3 is on the minus strand). VCF-style: chr11-47332977-G-A. GRCh37 (hg19) VCF-style: chr11-47354528-G-A.
Identifiers: ClinVar variation 3072887 (VCV003072887.1), dbSNP rs2495739016, ClinGen allele CA2613392824.
Genomic context (GRCh38, chr11:47,332,977, plus strand): 5'-GAGCTCTGGCACCACGCAGTGGGTGCGGCGGTAATGCTCCAAGACGGTGAACCACTCCTG[G>A]GGGCAGGGAGGGAGGGGAGGCATCTCTGGGCCAGGCCCTTCCTGATGCCGAGAGCCTCTC-3'